The following is an entry in ClinVar:

NM_020821.3(VPS13C):c.6833T>G (p.Val2278Gly)

Gene: VPS13C (vacuolar protein sorting 13 homolog C; minus strand). Cytogenetic location: 15q22.2.
Variant type: single nucleotide variant.
Coding change: c.6833T>G on transcript NM_020821.3 (MANE Select); coding-DNA position 6833, T replaced by G.
Protein change: p.Val2278Gly; replaces valine 2278 with glycine.
Molecular consequence: missense variant.
Genome position (GRCh38, 1-based): chr15:61,922,539, A>C on the plus strand (T>G on the coding strand, the complement: VPS13C is on the minus strand). VCF-style: chr15-61922539-A-C. GRCh37 (hg19) VCF-style: chr15-62214738-A-C.
Other names: p.Val2278Gly; c.6833T>G, p.Val2278Gly (NM_001018088.3); c.6704T>G, p.Val2235Gly (NM_017684.5, NM_018080.4); short protein forms V2235G, V2278G.
Identifiers: ClinVar variation 3380293 (VCV003380293.1).

ClinVar aggregate classification (germline): Uncertain significance (1 of 4 stars; one submission).

gnomAD v4.1: 67 of 1,614,092 alleles (0.0042%); highest among the groups gnomAD compares: Middle Eastern, 0.033%; no homozygotes.

Submission:

Mayo Clinic Laboratories, Mayo Clinic
Classification: Uncertain significance. Last evaluated: 2024-04-30. Review status: criteria provided, single submitter. Criteria: ACMG Guidelines, 2015. Collection method: clinical testing. Allele origin: germline. Observed: 1 variant allele.
Comment: BP4